The following is an entry in ClinVar:

ClinVar aggregate classification (germline): Uncertain significance (1 of 4 stars; one submission).

Conditions:
Neurofibromatosis, type 1 (NF1). Also called: Peripheral type neurofibromatosis; VON RECKLINGHAUSEN DISEASE; NEUROFIBROMATOSIS, TYPE I, SOMATIC; Neurofibromatosis, type I. Identifiers: Orphanet 636, MedGen C0027831, MONDO:0018975, OMIM 162200. Disease mechanism: loss of function.

Submission:

Labcorp Genetics (formerly Invitae), Labcorp
Classification: Uncertain significance for Neurofibromatosis, type 1. Last evaluated: 2020-04-08. Review status: criteria provided, single submitter. Criteria: Invitae Variant Classification Sherloc (09022015). Collection method: clinical testing. Allele origin: germline.
Comment: This variant is not present in population databases (ExAC no frequency). In summary, the available evidence is currently insufficient to determine the role of this variant in disease. Therefore, it has been classified as a Variant of Uncertain Significance. Algorithms developed to predict the effect of missense changes on protein structure and function are either unavailable or do not agree on the potential impact of this missense change (SIFT: "Deleterious"; PolyPhen-2: "Probably Damaging"; Align-GVGD: "Class C0"). This variant has not been reported in the literature in individuals with NF1-related conditions. This sequence change replaces proline with leucine at codon 1880 of the NF1 protein (p.Pro1880Leu). The proline residue is moderately conserved and there is a moderate physicochemical difference between proline and leucine.

NM_001042492.3(NF1):c.5702C>T (p.Pro1901Leu)

Gene: NF1 (neurofibromin 1; plus strand). Cytogenetic location: 17q11.2.
Variant type: single nucleotide variant.
Coding change: c.5702C>T on transcript NM_001042492.3 (MANE Select); coding-DNA position 5702, C replaced by T.
Protein change: p.Pro1901Leu; replaces proline 1901 with leucine.
Molecular consequence: missense variant.
Genome position (GRCh38, 1-based): chr17:31,330,388, C>T. VCF-style: chr17-31330388-C-T. GRCh37 (hg19) VCF-style: chr17-29657406-C-T.
Other names: c.5639C>T, p.Pro1880Leu (NM_000267.4); short protein forms P1880L, P1901L.
Identifiers: ClinVar variation 960765 (VCV000960765.6), dbSNP rs2069451171, ClinGen allele CA399010291.